The following is an entry in ClinVar:

NM_001040142.2(SCN2A):c.5026A>G (p.Ile1676Val)

Gene: SCN2A (sodium voltage-gated channel alpha subunit 2; plus strand). Cytogenetic location: 2q24.3.
Variant type: single nucleotide variant.
Coding change: c.5026A>G on transcript NM_001040142.2 (MANE Select); coding-DNA position 5026, A replaced by G.
Protein change: p.Ile1676Val; replaces isoleucine 1676 with valine.
Molecular consequence: missense variant.
Genome position (GRCh38, 1-based): chr2:165,388,832, A>G. VCF-style: chr2-165388832-A-G. GRCh37 (hg19) VCF-style: chr2-166245342-A-G.
Other names: c.5026A>G, p.Ile1676Val (NM_001040143.2, NM_001371246.1, NM_001371247.1 and 1 more transcripts); short protein forms I1676V.
Identifiers: ClinVar variation 574402 (VCV000574402.11), dbSNP rs755159786, ClinGen allele CA1940360.

ClinVar aggregate classification (germline): Uncertain significance. Review status: criteria provided, multiple submitters, no conflicts (2 of 4 stars). 2 submissions from 2 submitters: Uncertain significance (2). Last evaluated 2024-07-21.

Conditions:
Developmental and epileptic encephalopathy, 11 (DEE11). Also called: Early infantile epileptic encephalopathy 11. Identifiers: Orphanet 1934, MedGen C3150987, MONDO:0013388, OMIM 613721.
Seizures, benign familial infantile, 3 (BFIS3). Also called: CONVULSIONS, BENIGN FAMILIAL INFANTILE, 3; Familial neonatal seizures. Identifiers: Orphanet 140927, Orphanet 306, MedGen C1843140, MONDO:0011904, OMIM 607745.
Inborn genetic diseases. Identifiers: MedGen C0950123, MeSH D030342.

Allele frequency attached by ClinVar (database versions not stated): ExAC 0.00001; gnomAD 0.00001; gnomAD exomes 0.00001; TOPMed 0.00002.
gnomAD v4.1: 19 of 1,613,944 alleles (0.0012%); highest among the groups gnomAD compares: Non-Finnish European, 0.0016%; no homozygotes.

Submissions (2):

Labcorp Genetics (formerly Invitae), Labcorp
Classification: Uncertain significance for Seizures, benign familial infantile, 3; Developmental and epileptic encephalopathy, 11. Last evaluated: 2024-07-21. Review status: criteria provided, single submitter. Criteria: Invitae Variant Classification Sherloc (09022015). Collection method: clinical testing. Allele origin: germline.
Comment: This sequence change replaces isoleucine, which is neutral and non-polar, with valine, which is neutral and non-polar, at codon 1676 of the SCN2A protein (p.Ile1676Val). This variant is present in population databases (rs755159786, gnomAD 0.002%). This variant has not been reported in the literature in individuals affected with SCN2A-related conditions. ClinVar contains an entry for this variant (Variation ID: 574402). Advanced modeling of protein sequence and biophysical properties (such as structural, functional, and spatial information, amino acid conservation, physicochemical variation, residue mobility, and thermodynamic stability) performed at Invitae indicates that this missense variant is expected to disrupt SCN2A protein function with a positive predictive value of 95%. In summary, the available evidence is currently insufficient to determine the role of this variant in disease. Therefore, it has been classified as a Variant of Uncertain Significance.

Ambry Genetics
Classification: Uncertain significance for Inborn genetic diseases. Last evaluated: 2017-02-07. Review status: criteria provided, single submitter. Criteria: Ambry Variant Classification Scheme 2023. Collection method: clinical testing. Allele origin: germline.
Comment: The p.I1676V variant (also known as c.5026A>G), located in coding exon 26 of the SCN2A gene, results from an A to G substitution at nucleotide position 5026. The isoleucine at codon 1676 is replaced by valine, an amino acid with highly similar properties. This amino acid position is highly conserved in available vertebrate species. In addition, the in silico prediction for this alteration is inconclusive. Since supporting evidence is limited at this time, the clinical significance of this variant remains unclear.